The following is an entry in ClinVar:

ClinVar aggregate classification (germline): Uncertain significance. Review status: criteria provided, multiple submitters, no conflicts (2 of 4 stars). 2 submissions from 2 submitters: Uncertain significance (2). Last evaluated 2025-01-17.

Allele frequency attached by ClinVar (database versions not stated): gnomAD exomes below 0.00001.

Submissions (2):

Ambry Genetics
Classification: Uncertain significance. Last evaluated: 2025-01-17. Review status: criteria provided, single submitter. Criteria: Ambry Variant Classification Scheme 2023. Collection method: clinical testing. Allele origin: germline.
Comment: The p.L151F variant (also known as c.451C>T), located in coding exon 4 of the SRP72 gene, results from a C to T substitution at nucleotide position 451. The leucine at codon 151 is replaced by phenylalanine, an amino acid with highly similar properties. This amino acid position is conserved. In addition, this alteration is predicted to be deleterious by in silico analysis. Based on the available evidence, the clinical significance of this variant remains unclear.

Labcorp Genetics (formerly Invitae), Labcorp
Classification: Uncertain significance. Last evaluated: 2022-08-19. Review status: criteria provided, single submitter. Criteria: Invitae Variant Classification Sherloc (09022015). Collection method: clinical testing. Allele origin: germline.
Comment: This sequence change replaces leucine, which is neutral and non-polar, with phenylalanine, which is neutral and non-polar, at codon 151 of the SRP72 protein (p.Leu151Phe). This variant is present in population databases (no rsID available, gnomAD 0.003%). This variant has not been reported in the literature in individuals affected with SRP72-related conditions. ClinVar contains an entry for this variant (Variation ID: 1499106). Algorithms developed to predict the effect of missense changes on protein structure and function are either unavailable or do not agree on the potential impact of this missense change (SIFT: "Tolerated"; PolyPhen-2: "Possibly Damaging"; Align-GVGD: "Class C0"). In summary, the available evidence is currently insufficient to determine the role of this variant in disease. Therefore, it has been classified as a Variant of Uncertain Significance.

NM_006947.4(SRP72):c.451C>T (p.Leu151Phe)

Gene: SRP72 (signal recognition particle 72; plus strand). Cytogenetic location: 4q12.
Variant type: single nucleotide variant.
Coding change: c.451C>T on transcript NM_006947.4 (MANE Select); coding-DNA position 451, C replaced by T.
Protein change: p.Leu151Phe; replaces leucine 151 with phenylalanine.
Molecular consequence: missense variant. On other transcripts: non-coding transcript variant (1).
Genome position (GRCh38, 1-based): chr4:56,474,150, C>T. VCF-style: chr4-56474150-C-T. GRCh37 (hg19) VCF-style: chr4-57340316-C-T.
Other names: c.451C>T (NM_006947.3); c.451C>T, p.Leu151Phe (NM_001267722.2); short protein forms L151F.
Identifiers: ClinVar variation 1499106 (VCV001499106.7), dbSNP rs1411996891, ClinGen allele CA356996519.